The following is an entry in ClinVar:

ClinVar aggregate classification (germline): Uncertain significance (1 of 4 stars; one submission).

Submission:

GeneDx
Classification: Uncertain significance. Last evaluated: 2025-03-26. Review status: criteria provided, single submitter. Criteria: GeneDx Variant Classification Process June 2021. Collection method: clinical testing. Allele origin: germline. Affected: yes.
Comment: Not observed at significant frequency in large population cohorts (gnomAD); In silico analysis indicates that this missense variant does not alter protein structure/function; Has not been previously published as pathogenic or benign to our knowledge

NM_013275.6(ANKRD11):c.4328A>G (p.Lys1443Arg)

Gene: ANKRD11 (ankyrin repeat domain containing 11; minus strand). Cytogenetic location: 16q24.3.
Variant type: single nucleotide variant.
Coding change: c.4328A>G on transcript NM_013275.6 (MANE Select); coding-DNA position 4328, A replaced by G.
Protein change: p.Lys1443Arg; replaces lysine 1443 with arginine.
Molecular consequence: missense variant.
Genome position (GRCh38, 1-based): chr16:89,282,214, T>C on the plus strand (A>G on the coding strand, the complement: ANKRD11 is on the minus strand). VCF-style: chr16-89282214-T-C. GRCh37 (hg19) VCF-style: chr16-89348622-T-C.
Other names: c.4328A>G, p.Lys1443Arg (NM_001256182.2, NM_001256183.2); short protein forms K1443R.
Identifiers: ClinVar variation 4087929 (VCV004087929.1).